The following is an entry in ClinVar:

NM_005012.4(ROR1):c.2228A>G (p.His743Arg)

Gene: ROR1 (receptor tyrosine kinase like orphan receptor 1; plus strand). Cytogenetic location: 1p31.3.
Variant type: single nucleotide variant.
Coding change: c.2228A>G on transcript NM_005012.4 (MANE Select); coding-DNA position 2228, A replaced by G.
Protein change: p.His743Arg; replaces histidine 743 with arginine.
Molecular consequence: missense variant.
Genome position (GRCh38, 1-based): chr1:64,178,269, A>G. VCF-style: chr1-64178269-A-G. GRCh37 (hg19) VCF-style: chr1-64643952-A-G.
Other names: short protein forms H743R.
Identifiers: ClinVar variation 2888075 (VCV002888075.3), dbSNP rs1650444929, ClinGen allele CA340646308.

ClinVar aggregate classification (germline): Uncertain significance (1 of 4 stars; one submission).

Submission:

Labcorp Genetics (formerly Invitae), Labcorp
Classification: Uncertain significance. Last evaluated: 2022-12-19. Review status: criteria provided, single submitter. Criteria: Invitae Variant Classification Sherloc (09022015). Collection method: clinical testing. Allele origin: germline.
Comment: Advanced modeling of protein sequence and biophysical properties (such as structural, functional, and spatial information, amino acid conservation, physicochemical variation, residue mobility, and thermodynamic stability) performed at Invitae indicates that this missense variant is expected to disrupt ROR1 protein function. This variant has not been reported in the literature in individuals affected with ROR1-related conditions. This variant is not present in population databases (gnomAD no frequency). This sequence change replaces histidine, which is basic and polar, with arginine, which is basic and polar, at codon 743 of the ROR1 protein (p.His743Arg). In summary, the available evidence is currently insufficient to determine the role of this variant in disease. Therefore, it has been classified as a Variant of Uncertain Significance.